The following is an entry in ClinVar:

NM_021803.4(IL21):c.438+1_438+42del

Gene: IL21 (interleukin 21; minus strand). Cytogenetic location: 4q27.
Variant type: Deletion.
Coding change: c.438+1_438+42del on transcript NM_021803.4 (MANE Select); the canonical splice donor site of the intron after coding-DNA position 438 through 42 bases into the intron after coding-DNA position 438, 42 bases deleted.
Molecular consequence: splice donor variant. On other transcripts: stop lost (1), inframe deletion (1).
Genome position (GRCh38, 1-based): chr4:122,612,809-122,612,850, 42 bases deleted. GRCh37 (hg19): chr4:123,533,964-123,534,005.
Other names: c.439_*18del, p.Val147_Ter154del (NM_001207006.3).
Identifiers: ClinVar variation 1515796 (VCV001515796.8), dbSNP rs2150684816, ClinGen allele CA2573138022.

ClinVar aggregate classification (germline): Uncertain significance (1 of 4 stars; one submission).

Submission:

Labcorp Genetics (formerly Invitae), Labcorp
Classification: Uncertain significance. Last evaluated: 2024-02-24. Review status: criteria provided, single submitter. Criteria: Invitae Variant Classification Sherloc (09022015). Collection method: clinical testing. Allele origin: germline.
Comment: This sequence change affects a splice site in intron 4 of the IL21 gene. It is expected to disrupt RNA splicing. Variants that disrupt the donor or acceptor splice site typically lead to a loss of protein function (PMID: 16199547), however the current clinical and genetic evidence is not sufficient to establish whether loss-of-function variants in IL21 cause disease. This variant is not present in population databases (gnomAD no frequency). This variant has not been reported in the literature in individuals affected with IL21-related conditions. ClinVar contains an entry for this variant (Variation ID: 1515796). In summary, the available evidence is currently insufficient to determine the role of this variant in disease. Therefore, it has been classified as a Variant of Uncertain Significance.

Literature cited by the submitters: PubMed 16199547.